The following is an entry in ClinVar:

ClinVar aggregate classification (germline): Conflicting classifications of pathogenicity. Review status: criteria provided, conflicting classifications (1 of 4 stars). 4 submissions from 4 submitters: Likely pathogenic (1); Uncertain significance (3). Last evaluated 2026-02-19.

Conditions:
Progressive external ophthalmoplegia with mitochondrial DNA deletions, autosomal dominant 3. Also called: PROGRESSIVE EXTERNAL OPHTHALMOPLEGIA, AUTOSOMAL DOMINANT 3. Identifiers: MedGen C1836439, MONDO:0012241, OMIM 609286.

Allele frequency attached by ClinVar (database versions not stated): gnomAD 0.00001; ExAC 0.00002; ESP Exome Variant Server 0.00008.

Submissions (4):

Women's Health and Genetics/Laboratory Corporation of America, LabCorp
Classification: Uncertain significance. Last evaluated: 2026-02-19. Review status: criteria provided, single submitter. Criteria: LabCorp Variant Classification Summary - May 2015. Collection method: clinical testing. Allele origin: germline.
Comment: Variant summary: TWNK c.1111C>T (p.Arg371Trp) results in a non-conservative amino acid change in the encoded protein sequence. Algorithms developed to predict the effect of missense changes on protein structure and function all suggest that this variant is likely to be disruptive. The variant allele was found at a frequency of 1.2e-05 in 251332 control chromosomes (gnomAD). The available data on variant occurrences in the general population are insufficient to allow any conclusion about variant significance. To our knowledge, no occurrence of c.1111C>T in individuals affected with TWNK-related conditions and no experimental evidence demonstrating its impact on protein function have been reported. ClinVar contains an entry for this variant (Variation ID: 1950577). Based on the evidence outlined above, the variant was classified as uncertain significance.

Labcorp Genetics (formerly Invitae), Labcorp
Classification: Uncertain significance. Last evaluated: 2025-03-22. Review status: criteria provided, single submitter. Criteria: Invitae Variant Classification Sherloc (09022015). Collection method: clinical testing. Allele origin: germline.
Comment: This sequence change replaces arginine, which is basic and polar, with tryptophan, which is neutral and slightly polar, at codon 371 of the TWNK protein (p.Arg371Trp). This variant is present in population databases (rs374735277, gnomAD 0.003%). This variant has not been reported in the literature in individuals affected with TWNK-related conditions. ClinVar contains an entry for this variant (Variation ID: 1950577). Invitae Evidence Modeling of protein sequence and biophysical properties (such as structural, functional, and spatial information, amino acid conservation, physicochemical variation, residue mobility, and thermodynamic stability) indicates that this missense variant is expected to disrupt TWNK protein function with a positive predictive value of 95%. In summary, the available evidence is currently insufficient to determine the role of this variant in disease. Therefore, it has been classified as a Variant of Uncertain Significance.

Blueprint Genetics
Classification: Uncertain significance. Last evaluated: 2024-03-21. Review status: criteria provided, single submitter. Criteria: ACMG Guidelines, 2015. Collection method: clinical testing. Allele origin: germline.

Service de Génétique Médicale, Centre Hospitalier Universitaire de Nice-Université Côte d'Azur
Classification: Likely pathogenic for Progressive external ophthalmoplegia with mitochondrial DNA deletions, autosomal dominant 3. Last evaluated: 2024-02-27. Review status: criteria provided, single submitter. Criteria: ACMG Guidelines, 2015. Collection method: clinical testing. Allele origin: germline. Affected: yes.

Literature cited by the submitters: PubMed 38703036 (cited by Service de Génétique Médicale, Centre Hospitalier Universitaire de Nice-Université Côte d'Azur).

NM_021830.5(TWNK):c.1111C>T (p.Arg371Trp)

Gene: TWNK (twinkle mtDNA helicase; plus strand). Cytogenetic location: 10q24.31.
Variant type: single nucleotide variant.
Coding change: c.1111C>T on transcript NM_021830.5 (MANE Select); coding-DNA position 1111, C replaced by T.
Protein change: p.Arg371Trp; replaces arginine 371 with tryptophan.
Molecular consequence: missense variant. On other transcripts: non-coding transcript variant (4), intron variant (3).
Genome position (GRCh38, 1-based): chr10:100,989,321, C>T. VCF-style: chr10-100989321-C-T. GRCh37 (hg19) VCF-style: chr10-102749078-C-T.
Other names: c.1111C>T, p.Arg371Trp (NM_001163812.2); c.-119-323C>T (NM_001163814.2, NM_001163813.2); c.-57-385C>T (NM_001368275.1); short protein forms R371W.
Identifiers: ClinVar variation 1950577 (VCV001950577.8), dbSNP rs374735277, ClinGen allele CA5653166.
Genomic context (GRCh38, chr10:100,989,321, plus strand): 5'-AATCTTTCTCGTATTCTTCGTACCGCCCTGCCTGCCTGGCACAAGTCCATCGTATCTTTC[C>T]GGCAGCTTCGGGAGGAGGTGCTAGGAGAACTGTCAAATGTGGAGCAAGCAGCTGGCCTCC-3'
Protein context (NP_068602.2, residues 361-381): PAWHKSIVSF[Arg371Trp]QLREEVLGEL